The following is an entry in ClinVar:

NM_018723.4(RBFOX1):c.104A>G (p.Asn35Ser)

Gene: RBFOX1 (RNA binding fox-1 homolog 1; plus strand). Cytogenetic location: 16p13.3.
Variant type: single nucleotide variant.
Coding change: c.104A>G on transcript NM_018723.4 (MANE Select); coding-DNA position 104, A replaced by G.
Protein change: p.Asn35Ser; replaces asparagine 35 with serine.
Molecular consequence: missense variant.
Genome position (GRCh38, 1-based): chr16:7,518,223, A>G. VCF-style: chr16-7518223-A-G. GRCh37 (hg19) VCF-style: chr16-7568225-A-G.
Other names: c.164A>G (NM_145891.2); c.104A>G, p.Asn35Ser (NM_001142333.2, NM_001142334.2, NM_001364800.2 and 1 more transcripts); c.233A>G, p.Asn78Ser (NM_001308117.1, NM_001411047.1, NM_001415907.1 and 5 more transcripts); c.701A>G, p.Asn234Ser (NM_001415887.1, NM_001415888.1); c.212A>G, p.Asn71Ser (NM_001415898.1, NM_001415900.1, NM_001415909.1 and 5 more transcripts); c.179A>G, p.Asn60Ser (NM_001415899.1, NM_001415901.1, NM_001415903.1 and 4 more transcripts); c.110A>G, p.Asn37Ser (NM_001415902.1, NM_001415911.1, NM_001415917.1); c.164A>G, p.Asn55Ser (NM_001415904.1, NM_001415906.1, NM_001415915.1 and 4 more transcripts); short protein forms N234S, N35S, N71S, N37S, N78S, N55S, N60S.
Identifiers: ClinVar variation 2828809 (VCV002828809.4), dbSNP rs965563468, ClinGen allele CA277945199.

ClinVar aggregate classification (germline): Uncertain significance. Review status: criteria provided, multiple submitters, no conflicts (2 of 4 stars). 2 submissions from 2 submitters: Uncertain significance (2). Last evaluated 2024-08-04.

Conditions:
Inborn genetic diseases. Identifiers: MedGen C0950123, MeSH D030342.
Idiopathic generalized epilepsy. Also called: EIG; Generalised epilepsy. Identifiers: MedGen C0270850, MONDO:0005579, OMIM 600669.

Allele frequency attached by ClinVar (database versions not stated): gnomAD 0.00003; TOPMed 0.00003.
gnomAD v4.1: 8 of 1,613,920 alleles (0.0005%); highest among the groups gnomAD compares: African/African-American, 0.008%; no homozygotes.

Submissions (2):

Ambry Genetics
Classification: Uncertain significance for Inborn genetic diseases. Last evaluated: 2024-08-04. Review status: criteria provided, single submitter. Criteria: Ambry Variant Classification Scheme 2023. Collection method: clinical testing. Allele origin: germline.

Labcorp Genetics (formerly Invitae), Labcorp
Classification: Uncertain significance for Idiopathic generalized epilepsy. Last evaluated: 2024-02-23. Review status: criteria provided, single submitter. Criteria: Invitae Variant Classification Sherloc (09022015). Collection method: clinical testing. Allele origin: germline.
Comment: This sequence change replaces asparagine, which is neutral and polar, with serine, which is neutral and polar, at codon 55 of the RBFOX1 protein (p.Asn55Ser). This variant is present in population databases (no rsID available, gnomAD 0.01%). This variant has not been reported in the literature in individuals affected with RBFOX1-related conditions. Advanced modeling of protein sequence and biophysical properties (such as structural, functional, and spatial information, amino acid conservation, physicochemical variation, residue mobility, and thermodynamic stability) performed at Invitae indicates that this missense variant is not expected to disrupt RBFOX1 protein function with a negative predictive value of 80%. In summary, the available evidence is currently insufficient to determine the role of this variant in disease. Therefore, it has been classified as a Variant of Uncertain Significance.